The following is an entry in ClinVar:

NM_001165963.4(SCN1A):c.5845G>T (p.Gly1949Cys)

Genes: SCN1A (sodium voltage-gated channel alpha subunit 1; minus strand), LOC102724058 (uncharacterized LOC102724058; plus strand). Cytogenetic location: 2q24.3.
Variant type: single nucleotide variant.
Coding change: c.5845G>T on transcript NM_001165963.4 (MANE Select); coding-DNA position 5845, G replaced by T.
Protein change: p.Gly1949Cys; replaces glycine 1949 with cysteine.
Molecular consequence: missense variant. On other transcripts: non-coding transcript variant (1).
Genome position (GRCh38, 1-based): chr2:165,991,430, C>A on the plus strand (G>T on the coding strand, the complement: SCN1A is on the minus strand). VCF-style: chr2-165991430-C-A. GRCh37 (hg19) VCF-style: chr2-166847940-C-A.
Other names: c.5761G>T, p.Gly1921Cys (NM_001165964.3, NM_001353957.2, NM_001353958.2); c.5845G>T, p.Gly1949Cys (NM_001202435.3, NM_001353948.2); c.5812G>T, p.Gly1938Cys (NM_001353949.2, NM_001353950.2, NM_001353951.2 and 2 more transcripts); c.5809G>T, p.Gly1937Cys (NM_001353954.2, NM_001353955.2); c.5758G>T, p.Gly1920Cys (NM_001353960.2); c.3403G>T, p.Gly1135Cys (NM_001353961.2); short protein forms G1949C, G1135C, G1920C, G1921C, G1937C, G1938C.
Identifiers: ClinVar variation 1422318 (VCV001422318.9), dbSNP rs1216022727, ClinGen allele CA349063547.

ClinVar aggregate classification (germline): Uncertain significance (1 of 4 stars; one submission).

Conditions:
Early-infantile DEE. Also called: Ohtahara syndrome; Early infantile epileptic encephalopathy with suppression bursts; Early infantile epileptic encephalopathy. Identifiers: Orphanet 1934, MedGen C0393706, MONDO:0800491.

Submission:

Labcorp Genetics (formerly Invitae), Labcorp
Classification: Uncertain significance for Early-infantile DEE. Last evaluated: 2021-06-08. Review status: criteria provided, single submitter. Criteria: Invitae Variant Classification Sherloc (09022015). Collection method: clinical testing. Allele origin: germline.
Comment: This sequence change replaces glycine with cysteine at codon 1949 of the SCN1A protein (p.Gly1949Cys). The glycine residue is moderately conserved and there is a large physicochemical difference between glycine and cysteine. This variant is not present in population databases (ExAC no frequency). This variant has not been reported in the literature in individuals with SCN1A-related conditions. Algorithms developed to predict the effect of missense changes on protein structure and function are either unavailable or do not agree on the potential impact of this missense change (SIFT: "Deleterious"; PolyPhen-2: "Benign"; Align-GVGD: "Class C15"). In summary, the available evidence is currently insufficient to determine the role of this variant in disease. Therefore, it has been classified as a Variant of Uncertain Significance.